The following is an entry in ClinVar:

NM_003718.5(CDK13):c.4429_4430dup (p.Gly1478fs)

Gene: CDK13 (cyclin dependent kinase 13; plus strand). Cytogenetic location: 7p14.1.
Variant type: Duplication.
Coding change: c.4429_4430dup on transcript NM_003718.5 (MANE Select); coding-DNA positions 4429 to 4430, 2 bases duplicated (CA; older notation c.4429_4430dupCA).
Protein change: p.Gly1478fs; shifts the reading frame from glycine 1478.
Molecular consequence: frameshift variant.
Genome position (GRCh38, 1-based): chr7:40,094,870-40,094,871, CA duplicated. VCF-style (leftmost placement, unchanged base first): chr7-40094869-G-GCA. GRCh37 (hg19) VCF-style: chr7-40134468-G-GCA.
Other names: c.4249_4250dup, p.Gly1418Metfs (NM_031267.4); short protein forms G1418fs, G1478fs.
Identifiers: ClinVar variation 2017370 (VCV002017370.4), dbSNP rs2484075666, ClinGen allele CA2580077105.

ClinVar aggregate classification (germline): Uncertain significance (1 of 4 stars; one submission).

Submission:

Labcorp Genetics (formerly Invitae), Labcorp
Classification: Uncertain significance. Last evaluated: 2024-10-28. Review status: criteria provided, single submitter. Criteria: Invitae Variant Classification Sherloc (09022015). Collection method: clinical testing. Allele origin: germline.
Comment: This sequence change results in a frameshift in the CDK13 gene (p.Gly1478Metfs*66). While this is not anticipated to result in nonsense mediated decay, it is expected to disrupt the last 35 amino acid(s) of the CDK13 protein and extend the protein by 30 additional amino acid residues. This variant is not present in population databases (gnomAD no frequency). This variant has not been reported in the literature in individuals affected with CDK13-related conditions. ClinVar contains an entry for this variant (Variation ID: 2017370). Experimental studies and prediction algorithms are not available or were not evaluated, and the functional significance of this variant is currently unknown. In summary, the available evidence is currently insufficient to determine the role of this variant in disease. Therefore, it has been classified as a Variant of Uncertain Significance.